The following is an entry in ClinVar:

ClinVar aggregate classification (germline): Uncertain significance. Review status: criteria provided, multiple submitters, no conflicts (2 of 4 stars). 2 submissions from 2 submitters: Uncertain significance (2). Last evaluated 2023-07-17.

Conditions:
Inborn genetic diseases. Identifiers: MedGen C0950123, MeSH D030342.
Hereditary spastic paraplegia 11. Also called: Nakamura Osame syndrome; Autosomal recessive hereditary spastic paraplegia, mental impairment, and thin corpus callosum; Spastic paraplegia, mental retardation and thin corpus callosum; SPASTIC PARAPLEGIA, AUTOSOMAL RECESSIVE, COMPLICATED, WITH THIN CORPUS CALLOSUM; SPASTIC PARAPLEGIA, AUTOSOMAL RECESSIVE, WITH MENTAL IMPAIRMENT AND THIN CORPUS CALLOSUM; Spastic Paraplegia 11. Identifiers: Orphanet 2822, MedGen C1858479, MONDO:0011445, OMIM 604360.

Submissions (2):

Victorian Clinical Genetics Services, Murdoch Childrens Research Institute
Classification: Uncertain significance for Hereditary spastic paraplegia 11. Last evaluated: 2023-07-17. Review status: criteria provided, single submitter. Criteria: ACMG Guidelines, 2015. Collection method: clinical testing. Allele origin: germline. Inheritance: Autosomal recessive inheritance. Affected: yes.
Comment: Based on the classification scheme VCGS_Germline_v1.3.4, this variant is classified as VUS-3A. Following criteria are met: 0102 - Loss of function is a known mechanism of disease in this gene and is associated with juvenile amyotrophic lateral sclerosis 5 (MIM#602099), Charcot-Marie-Tooth disease, axonal, type 2X (MIM#616668) and spastic paraplegia 11 (MIM#604360). The genotype-phenotype correlation is currently unestablished. (I) 0106 - This gene is associated with autosomal recessive disease. (I) 0115 - Variants in this gene are known to have variable expressivity. The same variant has been reported in individuals with different conditions (PMID: 30574063; PMID: 26556829). (I) 0205 - Variant is predicted to result in a truncated protein (premature termination codon is NOT located at least 54 nucleotides upstream of the final exon-exon junction) with less than 1/3 of the protein sequence affected. (SP) 0251 - This variant is heterozygous. (I) 0301 - Variant is absent from gnomAD (both v2 and v3). (SP) 0604 - Variant is not located in an established domain, motif, hotspot or informative constraint region. (I) 0710 - Other truncating variants comparable to the one identified in this case have inconclusive previous evidence for pathogenicity. These variants have been reported multiple times as variants of uncertain significance, where only one was noted to be observed in an individual with an SPG11-related condition (Invitae) (ClinVar). (I) 0809 - Previous evidence of pathogenicity for this variant is inconclusive. This variant has been reported once as a VUS (ClinVar). (I) 0905 - No published segregation evidence has been identified for this variant. (I) 1007 - No published functional evidence has been identified for this variant. (I) 1208 - Inheritance information for this variant is not currently available in this individual. (I) Legend: (SP) - Supporting pathogenic, (I) - Information, (SB) - Supporting benign

Ambry Genetics
Classification: Uncertain significance for Inborn genetic diseases. Last evaluated: 2021-09-10. Review status: criteria provided, single submitter. Criteria: Ambry Variant Classification Scheme 2023. Collection method: clinical testing. Allele origin: germline.
Comment: The c.7205_7208delTCAC variant, located in coding exon 40 of the SPG11 gene, results from a deletion of 4 nucleotides at nucleotide positions 7205 to 7208, causing a translational frameshift with a predicted alternate stop codon (p.L2402Hfs*22). This alteration occurs at the 3' terminus of the SPG11 gene, is not expected to trigger nonsense-mediated mRNAdecay, and only impacts the last 17% of the protein. The exact functional effect of this alteration is unknown. Since supporting evidence is limited at this time, the clinical significance of this alteration remains unclear.

Literature cited by the submitters: PubMed 26556829 (cited by Victorian Clinical Genetics Services, Murdoch Childrens Research Institute); PubMed 30574063 (cited by Victorian Clinical Genetics Services, Murdoch Childrens Research Institute).

NM_025137.4(SPG11):c.7205_7208del (p.Leu2402fs)

Gene: SPG11 (SPG11 vesicle trafficking associated, spatacsin; minus strand). Cytogenetic location: 15q21.1.
Variant type: Deletion.
Coding change: c.7205_7208del on transcript NM_025137.4 (MANE Select); coding-DNA positions 7205 to 7208, 4 bases deleted (TCAC; older notation c.7205_7208delTCAC).
Protein change: p.Leu2402fs; shifts the reading frame from leucine 2402.
Molecular consequence: frameshift variant.
Genome position (GRCh38, 1-based): chr15:44,563,245-44,563,248, GTGA deleted on the plus strand (TCAC on the coding strand, the reverse complement: SPG11 is on the minus strand); deleting any 4 consecutive bases within chr15:44,563,245-44,563,250 gives the same sequence; the c. name uses the placement nearest the transcript's 3' end. VCF-style (leftmost placement, unchanged base first): chr15-44563244-TGTGA-T. GRCh37 (hg19) VCF-style: chr15-44855442-TGTGA-T.
Other names: c.6866_6869del, p.Leu2289fs (NM_001160227.2); c.7059_7062delACTC, p.Leu2354Hisfs (NM_001411132.1); short protein forms L2402fs, L2289fs.
Identifiers: ClinVar variation 1757682 (VCV001757682.3), dbSNP rs2082231243, ClinGen allele CA2173676673.